The following is an entry in ClinVar:

ClinVar aggregate classification (germline): Uncertain significance (1 of 4 stars; one submission).

Submission:

Labcorp Genetics (formerly Invitae), Labcorp
Classification: Uncertain significance. Last evaluated: 2022-07-05. Review status: criteria provided, single submitter. Criteria: Invitae Variant Classification Sherloc (09022015). Collection method: clinical testing. Allele origin: germline.
Comment: In summary, the available evidence is currently insufficient to determine the role of this variant in disease. Therefore, it has been classified as a Variant of Uncertain Significance. Algorithms developed to predict the effect of missense changes on protein structure and function (SIFT, PolyPhen-2, Align-GVGD) all suggest that this variant is likely to be tolerated. This sequence change replaces asparagine, which is neutral and polar, with aspartic acid, which is acidic and polar, at codon 117 of the POLA1 protein (p.Asn117Asp). This variant is not present in population databases (gnomAD no frequency). This variant has not been reported in the literature in individuals affected with POLA1-related conditions. ClinVar contains an entry for this variant (Variation ID: 1445101).

NM_001330360.2(POLA1):c.367A>G (p.Asn123Asp)

Gene: POLA1 (DNA polymerase alpha 1, catalytic subunit; plus strand). Cytogenetic location: Xp22.11.
Variant type: single nucleotide variant.
Coding change: c.367A>G on transcript NM_001330360.2 (MANE Select); coding-DNA position 367, A replaced by G.
Protein change: p.Asn123Asp; replaces asparagine 123 with aspartic acid.
Molecular consequence: missense variant. On other transcripts: non-coding transcript variant (2).
Genome position (GRCh38, 1-based): chrX:24,714,574, A>G. VCF-style: chrX-24714574-A-G. GRCh37 (hg19) VCF-style: chrX-24732691-A-G.
Other names: c.367A>G, p.Asn123Asp (NM_001378303.1); c.349A>G, p.Asn117Asp (NM_016937.4); short protein forms N123D, N117D.
Identifiers: ClinVar variation 1445101 (VCV001445101.6), dbSNP rs2148340819, ClinGen allele CA412526612.